The following is an entry in ClinVar:

NM_021224.6(ZNF462):c.*13A>G

Genes: ZNF462 (zinc finger protein 462; plus strand), LOC340512 (uncharacterized LOC340512; minus strand). Cytogenetic location: 9q31.2.
Variant type: single nucleotide variant.
Coding change: c.*13A>G on transcript NM_021224.6 (MANE Select); 13 bases downstream of the stop codon, A replaced by G.
Molecular consequence: 3 prime UTR variant.
Genome position (GRCh38, 1-based): chr9:107,011,043, A>G. VCF-style: chr9-107011043-A-G. GRCh37 (hg19) VCF-style: chr9-109773324-A-G.
Other names: c.*13A>G (NM_001347997.2).
Identifiers: ClinVar variation 3068752 (VCV003068752.2), dbSNP rs1053483089, ClinGen allele CA197674881.

ClinVar aggregate classification (germline): Uncertain significance (1 of 4 stars; one submission).

Allele frequency attached by ClinVar (database versions not stated): gnomAD exomes below 0.00001; TOPMed 0.00003.

Submission:

Women's Health and Genetics/Laboratory Corporation of America, LabCorp
Classification: Uncertain significance. Last evaluated: 2024-02-20. Review status: criteria provided, single submitter. Criteria: LabCorp Variant Classification Summary - May 2015. Collection method: clinical testing. Allele origin: germline.
Comment: Variant summary: ZNF462 c.*13A>G is located in the untranslated mRNA region downstream of the termination codon. The variant was absent in 246758 control chromosomes. The available data on variant occurrences in the general population are insufficient to allow any conclusion about variant significance. To our knowledge, no occurrence of c.*13A>G in individuals affected with Weiss-Kruszka Syndrome and no experimental evidence demonstrating its impact on protein function have been reported. No submitters have cited clinical-significance assessments for this variant to ClinVar. Based on the evidence outlined above, the variant was classified as uncertain significance.